The following is an entry in ClinVar:

NM_005726.6(TSFM):c.454C>G (p.Leu152Val)

Gene: TSFM (Ts translation elongation factor, mitochondrial; plus strand). Cytogenetic location: 12q14.1.
Variant type: single nucleotide variant.
Coding change: c.454C>G on transcript NM_005726.6 (MANE Select); coding-DNA position 454, C replaced by G.
Protein change: p.Leu152Val; replaces leucine 152 with valine.
Molecular consequence: missense variant.
Genome position (GRCh38, 1-based): chr12:57,787,133, C>G. VCF-style: chr12-57787133-C-G. GRCh37 (hg19) VCF-style: chr12-58180916-C-G.
Other names: c.454C>G, p.Leu152Val (NM_001172695.2, NM_001172696.2, NM_001172697.2); c.454C>G (NM_001172696.1); short protein forms L152V.
Identifiers: ClinVar variation 1371155 (VCV001371155.4), dbSNP rs777248708, ClinGen allele CA6659350.

ClinVar aggregate classification (germline): Uncertain significance. Review status: criteria provided, multiple submitters, no conflicts (2 of 4 stars). 2 submissions from 2 submitters: Uncertain significance (2). Last evaluated 2023-08-19.

Conditions:
Inborn genetic diseases. Identifiers: MedGen C0950123, MeSH D030342.

Allele frequency attached by ClinVar (database versions not stated): gnomAD exomes below 0.00001 and 0.00001; TOPMed below 0.00001; gnomAD 0.00001; ExAC 0.00002.
gnomAD v4.1: 4 of 1,596,600 alleles (0.00025%); highest among the groups gnomAD compares: East Asian, 0.0067%; no homozygotes.

Submissions (2):

Ambry Genetics
Classification: Uncertain significance for Inborn genetic diseases. Last evaluated: 2023-08-19. Review status: criteria provided, single submitter. Criteria: Ambry Variant Classification Scheme 2023. Collection method: clinical testing. Allele origin: germline.

Labcorp Genetics (formerly Invitae), Labcorp
Classification: Uncertain significance. Last evaluated: 2021-11-14. Review status: criteria provided, single submitter. Criteria: Invitae Variant Classification Sherloc (09022015). Collection method: clinical testing. Allele origin: germline.
Comment: This sequence change replaces leucine, which is neutral and non-polar, with valine, which is neutral and non-polar, at codon 152 of the TSFM protein (p.Leu152Val). This variant is present in population databases (rs777248708, gnomAD 0.02%). This variant has not been reported in the literature in individuals affected with TSFM-related conditions. Algorithms developed to predict the effect of missense changes on protein structure and function (SIFT, PolyPhen-2, Align-GVGD) all suggest that this variant is likely to be tolerated. In summary, the available evidence is currently insufficient to determine the role of this variant in disease. Therefore, it has been classified as a Variant of Uncertain Significance.